The following is an entry in ClinVar:

ClinVar aggregate classification (germline): Conflicting classifications of pathogenicity. Review status: criteria provided, conflicting classifications (1 of 4 stars). 3 submissions from 3 submitters: Uncertain significance (2); Likely benign (1). Last evaluated 2025-12-24.

Conditions:
Inborn genetic diseases. Identifiers: MedGen C0950123, MeSH D030342.

Allele frequency attached by ClinVar (database versions not stated): ExAC 0.00010; gnomAD exomes 0.00010; ESP Exome Variant Server 0.00038; TOPMed 0.00041; 1000 Genomes Project 30x 0.00078; 1000 Genomes Project 0.00080.
gnomAD v4.1: 208 of 1,613,256 alleles (0.013%); highest among the groups gnomAD compares: African/African-American, 0.12%; no homozygotes.

Submissions (3):

Labcorp Genetics (formerly Invitae), Labcorp
Classification: Uncertain significance. Last evaluated: 2025-12-24. Review status: criteria provided, single submitter. Criteria: Invitae Variant Classification Sherloc (09022015). Collection method: clinical testing. Allele origin: germline.
Comment: This sequence change replaces arginine, which is basic and polar, with glutamine, which is neutral and polar, at codon 527 of the TCF3 protein (p.Arg527Gln). This variant is present in population databases (rs141432924, gnomAD 0.1%). This variant has not been reported in the literature in individuals affected with TCF3-related conditions. ClinVar contains an entry for this variant (Variation ID: 1379987). Invitae Evidence Modeling of protein sequence and biophysical properties (such as structural, functional, and spatial information, amino acid conservation, physicochemical variation, residue mobility, and thermodynamic stability) indicates that this missense variant is not expected to disrupt TCF3 protein function with a negative predictive value of 80%. In summary, the available evidence is currently insufficient to determine the role of this variant in disease. Therefore, it has been classified as a Variant of Uncertain Significance.

Ambry Genetics
Classification: Uncertain significance for Inborn genetic diseases. Last evaluated: 2025-01-09. Review status: criteria provided, single submitter. Criteria: Ambry Variant Classification Scheme 2023. Collection method: clinical testing. Allele origin: germline.

Blueprint Genetics
Classification: Likely benign. Last evaluated: 2024-08-06. Review status: criteria provided, single submitter. Criteria: ACMG Guidelines, 2015. Collection method: clinical testing. Allele origin: germline.

NM_003200.5(TCF3):c.1580G>A (p.Arg527Gln)

Gene: TCF3 (transcription factor 3; minus strand). Cytogenetic location: 19p13.3.
Variant type: single nucleotide variant.
Coding change: c.1580G>A on transcript NM_003200.5 (MANE Select); coding-DNA position 1580, G replaced by A.
Protein change: p.Arg527Gln; replaces arginine 527 with glutamine.
Molecular consequence: missense variant.
Genome position (GRCh38, 1-based): chr19:1,615,692, C>T on the plus strand (G>A on the coding strand, the complement: TCF3 is on the minus strand). VCF-style: chr19-1615692-C-T. GRCh37 (hg19) VCF-style: chr19-1615691-C-T.
Other names: c.1580G>A, p.Arg527Gln (NM_001136139.4, NM_001351779.2); c.1577G>A, p.Arg526Gln (NM_001351778.2); c.1580G>A (NM_003200.3); short protein forms R526Q, R527Q.
Identifiers: ClinVar variation 1379987 (VCV001379987.8), dbSNP rs141432924, ClinGen allele CA9049756.